The following is an entry in ClinVar:

ClinVar aggregate classification (germline): Uncertain significance (1 of 4 stars; one submission).

Conditions:
Dilated cardiomyopathy 1O (CMD1O). Also called: CARDIOMYOPATHY, DILATED, WITH VENTRICULAR TACHYCARDIA. Identifiers: Orphanet 154, MedGen C1837839, MONDO:0012062, OMIM 608569.

Submission:

Labcorp Genetics (formerly Invitae), Labcorp
Classification: Uncertain significance for Dilated cardiomyopathy 1O. Last evaluated: 2024-03-25. Review status: criteria provided, single submitter. Criteria: Invitae Variant Classification Sherloc (09022015). Collection method: clinical testing. Allele origin: germline.
Comment: This sequence change replaces aspartic acid, which is acidic and polar, with histidine, which is basic and polar, at codon 1364 of the ABCC9 protein (p.Asp1364His). This variant is not present in population databases (gnomAD no frequency). This variant has not been reported in the literature in individuals affected with ABCC9-related conditions. Advanced modeling of protein sequence and biophysical properties (such as structural, functional, and spatial information, amino acid conservation, physicochemical variation, residue mobility, and thermodynamic stability) performed at Invitae indicates that this missense variant is expected to disrupt ABCC9 protein function with a positive predictive value of 80%. In summary, the available evidence is currently insufficient to determine the role of this variant in disease. Therefore, it has been classified as a Variant of Uncertain Significance.

NM_020297.4(ABCC9):c.4090G>C (p.Asp1364His)

Genes: ABCC9 (ATP binding cassette subfamily C member 9; minus strand), KCNJ8-AS1 (KCNJ8 antisense RNA 1; plus strand). Cytogenetic location: 12p12.1.
Variant type: single nucleotide variant.
Coding change: c.4090G>C on transcript NM_020297.4 (MANE Select); coding-DNA position 4090, G replaced by C.
Protein change: p.Asp1364His; replaces aspartic acid 1364 with histidine.
Molecular consequence: missense variant.
Genome position (GRCh38, 1-based): chr12:21,814,656, C>G on the plus strand (G>C on the coding strand, the complement: ABCC9 is on the minus strand). VCF-style: chr12-21814656-C-G. GRCh37 (hg19) VCF-style: chr12-21967590-C-G.
Other names: c.4090G>C, p.Asp1364His (NM_001377273.1, NM_005691.4); c.3223G>C, p.Asp1075His (NM_001377274.1); short protein forms D1364H, D1075H.
Identifiers: ClinVar variation 3646183 (VCV003646183.2).